The following is an entry in ClinVar:

NM_003919.3(SGCE):c.1072C>T (p.Leu358=)

Genes: CASD1 (CAS1 domain sialic acid O acetyltransferase 1; plus strand), SGCE (sarcoglycan epsilon; minus strand). Cytogenetic location: 7q21.3.
Variant type: single nucleotide variant.
Coding change: c.1072C>T on transcript NM_003919.3 (MANE Select); coding-DNA position 1072, C replaced by T.
Protein change: p.Leu358=; no amino-acid change (leucine 358 retained).
Molecular consequence: synonymous variant.
Genome position (GRCh38, 1-based): chr7:94,598,956, G>A on the plus strand (C>T on the coding strand, the complement: SGCE is on the minus strand). VCF-style: chr7-94598956-G-A. GRCh37 (hg19) VCF-style: chr7-94228268-G-A.
Other names: c.1045C>T, p.Leu349= (NM_001099400.2, NM_001346717.2); c.1072C>T, p.Leu358= (NM_001099401.2); c.949C>T, p.Leu317= (NM_001301139.2); c.1180C>T, p.Leu394= (NM_001346713.2); c.1153C>T, p.Leu385= (NM_001346715.2); c.985C>T, p.Leu329= (NM_001346719.2); c.799C>T, p.Leu267= (NM_001346720.2); c.958C>T, p.Leu320= (NM_001362807.2); and 2 more.
Identifiers: ClinVar variation 259196 (VCV000259196.18), dbSNP rs139062360, ClinGen allele CA4348630.
Genomic context (GRCh38, chr7:94,598,956, plus strand): 5'-TATTCTTGGACATGTCTCGAAGCTCCTTGGTAGATTTCTGAATAGCACTGTGATGGACCA[G>A]TTGGATGCTAGGTCAAAAAGAAATAAAACAACATATATTTAAAATCATATATTAGCCTGA-3'
Protein context (NP_003910.1, residues 348-368): KRNMQTPDIQ[Leu358=]VHHSAIQKST

ClinVar aggregate classification (germline): Benign/Likely benign. Review status: criteria provided, multiple submitters, no conflicts (2 of 4 stars). 4 submissions from 4 submitters: Benign (3); Likely benign (1). Last evaluated 2026-06-01.

Conditions:
Myoclonic dystonia 11 (DYT11). Also called: Dystonia 11; Dystonia, alcohol responsive; Hereditary essential myoclonus; SGCE Myoclonus-Dystonia; Myoclonus-Dystonia; Myoclonic dystonia. Identifiers: Orphanet 36899, MedGen C1834570, MONDO:0008044, OMIM 159900.

Allele frequency attached by ClinVar (database versions not stated): ExAC 0.00055; gnomAD exomes 0.00069; ESP Exome Variant Server 0.00015; 1000 Genomes Project 0.00020; gnomAD 0.00021 and 0.00023; 1000 Genomes Project 30x 0.00031; TOPMed 0.00032.
gnomAD v4.1: 227 of 1,612,986 alleles (0.014%); highest among the groups gnomAD compares: Admixed American, 0.35%; 1 homozygote.

Submissions (4):

CeGaT Center for Human Genetics Tuebingen
Classification: Likely benign. Last evaluated: 2026-06-01. Review status: criteria provided, single submitter. Criteria: CeGaT Center For Human Genetics Tuebingen Variant Classification Criteria Version 2. Collection method: clinical testing. Allele origin: germline. Affected: yes. Observed: 1 variant allele.
Comment: SGCE: BP4, BP7, BS1

Labcorp Genetics (formerly Invitae), Labcorp
Classification: Benign for Myoclonic dystonia 11. Last evaluated: 2026-01-19. Review status: criteria provided, single submitter. Criteria: Invitae Variant Classification Sherloc (09022015). Collection method: clinical testing. Allele origin: germline.

Eurofins Ntd Llc (ga)
Classification: Benign. Last evaluated: 2015-08-27. Review status: criteria provided, single submitter. Criteria: EGL Classification Definitions 2015. Collection method: clinical testing. Allele origin: germline. Observed: 1 variant allele, 1 heterozygote.

PreventionGenetics, part of Exact Sciences
Classification: Benign. Review status: criteria provided, single submitter. Criteria: ACMG Guidelines, 2015. Collection method: clinical testing. Allele origin: germline.